The following is an entry in ClinVar:

NM_006231.4(POLE):c.5682C>G (p.Ile1894Met)

Gene: POLE (DNA polymerase epsilon, catalytic subunit; minus strand). Cytogenetic location: 12q24.33.
Variant type: single nucleotide variant.
Coding change: c.5682C>G on transcript NM_006231.4 (MANE Select); coding-DNA position 5682, C replaced by G.
Protein change: p.Ile1894Met; replaces isoleucine 1894 with methionine.
Molecular consequence: missense variant.
Genome position (GRCh38, 1-based): chr12:132,636,021, G>C on the plus strand (C>G on the coding strand, the complement: POLE is on the minus strand). VCF-style: chr12-132636021-G-C. GRCh37 (hg19) VCF-style: chr12-133212607-G-C.
Other names: short protein forms I1894M.
Identifiers: ClinVar variation 1749039 (VCV001749039.6), dbSNP rs2138487374, ClinGen allele CA387373263.

ClinVar aggregate classification (germline): Uncertain significance. Review status: criteria provided, multiple submitters, no conflicts (2 of 4 stars). 2 submissions from 2 submitters: Uncertain significance (2). Last evaluated 2025-09-05.

Conditions:
Hereditary cancer-predisposing syndrome. Also called: Hereditary Cancer Syndrome; Hereditary neoplastic syndrome; Neoplastic Syndromes, Hereditary; Tumor predisposition. Identifiers: Orphanet 140162, MedGen C0027672, MeSH D009386, MONDO:0015356.

Submissions (2):

Ambry Genetics
Classification: Uncertain significance for Hereditary cancer-predisposing syndrome. Last evaluated: 2025-09-05. Review status: criteria provided, single submitter. Criteria: Ambry Variant Classification Scheme 2023. Collection method: clinical testing. Allele origin: germline.

Labcorp Genetics (formerly Invitae), Labcorp
Classification: Uncertain significance. Last evaluated: 2023-04-09. Review status: criteria provided, single submitter. Criteria: Invitae Variant Classification Sherloc (09022015). Collection method: clinical testing. Allele origin: germline.
Comment: In summary, the available evidence is currently insufficient to determine the role of this variant in disease. Therefore, it has been classified as a Variant of Uncertain Significance. Advanced modeling of protein sequence and biophysical properties (such as structural, functional, and spatial information, amino acid conservation, physicochemical variation, residue mobility, and thermodynamic stability) performed at Invitae indicates that this missense variant is not expected to disrupt POLE protein function. ClinVar contains an entry for this variant (Variation ID: 1749039). This variant has not been reported in the literature in individuals affected with POLE-related conditions. This variant is not present in population databases (gnomAD no frequency). This sequence change replaces isoleucine, which is neutral and non-polar, with methionine, which is neutral and non-polar, at codon 1894 of the POLE protein (p.Ile1894Met).